The following is an entry in ClinVar:

NM_003922.4(HERC1):c.9273A>G (p.Glu3091=)

Gene: HERC1 (HECT and RLD domain containing E3 ubiquitin protein ligase family member 1; minus strand). Cytogenetic location: 15q22.31.
Variant type: single nucleotide variant.
Coding change: c.9273A>G on transcript NM_003922.4 (MANE Select); coding-DNA position 9273, A replaced by G.
Protein change: p.Glu3091=; no amino-acid change (glutamic acid 3091 retained).
Molecular consequence: synonymous variant.
Genome position (GRCh38, 1-based): chr15:63,659,887, T>C on the plus strand (A>G on the coding strand, the complement: HERC1 is on the minus strand). VCF-style: chr15-63659887-T-C. GRCh37 (hg19) VCF-style: chr15-63952086-T-C.
Identifiers: ClinVar variation 2629500 (VCV002629500.4), dbSNP rs368471505, ClinGen allele CA7604746.
Genomic context (GRCh38, chr15:63,659,887, plus strand): 5'-TTCTGGTACAATGCGCCGGTCATTTAAACCAAGCGGTCCAGCAAGTAATTCAAATTCTTC[T>C]TCACCAGTTAGCTTTTCATCTTCATCAACATCCAACATGTCCCAGTCTTCTGGAATTTAA-3'
Protein context (NP_003913.3, residues 3081-3101): DVDEDEKLTG[Glu3091=]EEFELLAGPL

ClinVar aggregate classification (germline): Conflicting classifications of pathogenicity. Review status: criteria provided, conflicting classifications (1 of 4 stars). 2 submissions from 2 submitters: Uncertain significance (1); Likely benign (1). Last evaluated 2023-09-04.

Conditions:
HERC1-related disorder. Also called: HERC1-related condition.

Allele frequency attached by ClinVar (database versions not stated): gnomAD 0.00001; gnomAD exomes 0.00002; ExAC 0.00003; ESP Exome Variant Server 0.00008.
gnomAD v4.1: 28 of 1,613,770 alleles (0.0017%); highest among the groups gnomAD compares: Non-Finnish European, 0.0022%; no homozygotes.

Submissions (2):

Labcorp Genetics (formerly Invitae), Labcorp
Classification: Likely benign. Last evaluated: 2023-09-04. Review status: criteria provided, single submitter. Criteria: Invitae Variant Classification Sherloc (09022015). Collection method: clinical testing. Allele origin: germline.

PreventionGenetics, part of Exact Sciences
Classification: Uncertain significance for HERC1-related condition. Last evaluated: 2023-05-16. Review status: criteria provided, single submitter. Criteria: ACMG Guidelines, 2015. Collection method: clinical testing. Allele origin: germline.
Comment: The HERC1 c.9273A>G variant is not predicted to result in an amino acid change (p.=). Based on available splicing prediction programs (Alamut Visual Plus v1.6.1) this variant is predicted to affect splicing; however, to date this prediction has not been proven by functional studies. To our knowledge, this variant has not been reported in the literature. This variant is reported in 0.0047% of alleles in individuals of European (Non-Finnish) descent in gnomAD. At this time, the clinical significance of this variant is uncertain due to the absence of conclusive functional and genetic evidence.